The following is an entry in ClinVar:

NM_000384.3(APOB):c.10555A>G (p.Thr3519Ala)

Gene: APOB (apolipoprotein B; minus strand). Cytogenetic location: 2p24.1.
Variant type: single nucleotide variant.
Coding change: c.10555A>G on transcript NM_000384.3 (MANE Select); coding-DNA position 10555, A replaced by G.
Protein change: p.Thr3519Ala; replaces threonine 3519 with alanine.
Molecular consequence: missense variant.
Genome position (GRCh38, 1-based): chr2:21,006,313, T>C on the plus strand (A>G on the coding strand, the complement: APOB is on the minus strand). VCF-style: chr2-21006313-T-C. GRCh37 (hg19) VCF-style: chr2-21229185-T-C.
Other names: short protein forms T3519A.
Identifiers: ClinVar variation 2565867 (VCV002565867.2), dbSNP rs1279399964, ClinGen allele CA345986217.

ClinVar aggregate classification (germline): Uncertain significance (1 of 4 stars; one submission).

Conditions:
Cardiovascular phenotype. Identifiers: MedGen CN230736.

Allele frequency attached by ClinVar (database versions not stated): gnomAD 0.00001.
gnomAD v4.1: 3 of 1,613,932 alleles (0.00019%); highest among the groups gnomAD compares: Non-Finnish European, 0.00025%; no homozygotes.

Submission:

Ambry Genetics
Classification: Uncertain significance for Cardiovascular phenotype. Last evaluated: 2023-05-18. Review status: criteria provided, single submitter. Criteria: Ambry Variant Classification Scheme 2023. Collection method: clinical testing. Allele origin: germline.
Comment: The p.T3519A variant (also known as c.10555A>G), located in coding exon 26 of the APOB gene, results from an A to G substitution at nucleotide position 10555. The threonine at codon 3519 is replaced by alanine, an amino acid with similar properties. This amino acid position is conserved. In addition, this alteration is predicted to be tolerated by in silico analysis. Since supporting evidence is limited at this time, the clinical significance of this alteration remains unclear.